The following is an entry in ClinVar:

ClinVar aggregate classification (germline): Pathogenic (1 of 4 stars; one submission).

Conditions:
Hypohidrotic X-linked ectodermal dysplasia (XHED). Also called: ECTODERMAL DYSPLASIA 1; Ectodermal Dysplasia 1, Anhidrotic; Anhidrotic ectodermal dysplasia X-linked; Christ Siemens Touraine syndrome; ECTODERMAL DYSPLASIA 1, HYPOHIDROTIC, X-LINKED; ECTODERMAL DYSPLASIA 1, HYPOHIDROTIC/HAIR/TOOTH TYPE, X-LINKED. Identifiers: Orphanet 181, Orphanet 238468, MedGen C0162359, MONDO:0010585, OMIM 305100.

Submission:

Labcorp Genetics (formerly Invitae), Labcorp
Classification: Pathogenic for Hypohidrotic X-linked ectodermal dysplasia. Last evaluated: 2020-10-05. Review status: criteria provided, single submitter. Criteria: Invitae Variant Classification Sherloc (09022015). Collection method: clinical testing. Allele origin: germline.
Comment: This sequence change inserts a large fragment of DNA, likely a transposable element, in exon 2 of the EDA gene (c.486_487ins?), causing a frameshift at codon 163 (p.Asn163fs). The exact size and sequence of the insertion cannot be determined by the current assay. However, the insertion is expected to result in an absent or disrupted protein product. This variant is not present in population databases (ExAC no frequency). This variant has not been reported in the literature in individuals with EDA-related conditions. Algorithms developed to predict the effect of sequence changes on RNA splicing suggest that this variant may create or strengthen a splice site, but this prediction has not been confirmed by published transcriptional studies. Retrotransposon insertions including LINE1 (L1), Alu, and SVA (SINE-VNTR-Alu) have been reported to be disease-causing through disruption of either a coding region or splice site (PMID: 19763152, 20307669, 22406018) and loss-of-function variants in EDA are known to be pathogenic (PMID: 9683615). For these reasons, this variant has been classified as Pathogenic.

Literature cited by the submitters: PubMed 19763152; PubMed 20307669; PubMed 22406018; PubMed 9683615.

NM_001399.5(EDA):c.486_487insGGCCGGGCGCGGTGGCTCACGCCTGTAATCCCAGCACTTTGGGAGGCCGAGGCGGGTGGATCATGAGGTCAGGAGATCGAGACCATCCTGGCTAACAAGGTGAANNNNNNNNNNAAAAAAAAAAAAAAAAAAAAAAAAGAAGCAAAAGC (p.Asn163delinsGlyArgAlaArgTrpLeuThrProValIleProAlaLeuTrpGluAlaGluAlaGlyGlySerTer)

Gene: EDA (ectodysplasin A; plus strand). Cytogenetic location: Xq13.1.
Variant type: Microsatellite.
Coding change: c.486_487insGGCCGGGCGCGGTGGCTCACGCCTGTAATCCCAGCACTTTGGGAGGCCGAGGCGGGTGGATCATGAGGTCAGGAGATCGAGACCATCCTGGCTAACAAGGTGAANNNNNNNNNNAAAAAAAAAAAAAAAAAAAAAAAAGAAGCAAAAGC on transcript NM_001399.5 (MANE Select); coding-DNA positions 486 to 487, GGCCGGGCGCGGTGGCTCACGCCTGTAATCCCAGCACTTTGGGAGGCCGAGGCGGGTGGATCATGAGGTCAGGAGATCGAGACCATCCTGGCTAACAAGGTGAANNNNNNNNNNAAAAAAAAAAAAAAAAAAAAAAAAGAAGCAAAAGC inserted.
Protein change: p.Asn163delinsGlyArgAlaArgTrpLeuThrProValIleProAlaLeuTrpGluAlaGluAlaGlyGlySerTer.
Molecular consequence: nonsense.
Genome position: GRCh38: chrX:69,957,102-69,957,116. GRCh37 (hg19): chrX:69,176,952-69,176,966.
Other names: c.486_487insGGCCGGGCGCGGTGGCTCACGCCTGTAATCCCAGCACTTTGGGAGGCCGAGGCGGGTGGATCATGAGGTCAGGAGATCGAGACCATCCTGGCTAACAAGGTGAANNNNNNNNNNAAAAAAAAAAAAAAAAAAAAAAAAGAAGCAAAAGC, p.Asn163delinsGlyArgAlaArgTrpLeuThrProValIleProAlaLeuTrpGluAlaGluAlaGlyGlySerTer (NM_001005609.2, NM_001005612.3).
Identifiers: ClinVar variation 1068988 (VCV001068988.6).